The following is an entry in ClinVar:

ClinVar aggregate classification (germline): Uncertain significance (1 of 4 stars; one submission).

Conditions:
Familial cancer of breast. Also called: hereditary breast carcinoma; BREAST CANCER, FAMILIAL; Hereditary breast cancer. Identifiers: Orphanet 227535, MedGen C0346153, MONDO:0016419, OMIM 114480. Disease mechanism: loss of function.

Allele frequency attached by ClinVar (database versions not stated): TOPMed below 0.00001; ExAC 0.00001; gnomAD 0.00001; ESP Exome Variant Server 0.00008.
gnomAD v4.1: 1 of 1,614,036 alleles (0.000062%); highest among the groups gnomAD compares: Non-Finnish European, 0.000085%; no homozygotes.

Submission:

Labcorp Genetics (formerly Invitae), Labcorp
Classification: Uncertain significance for Familial cancer of breast. Last evaluated: 2022-09-02. Review status: criteria provided, single submitter. Criteria: Invitae Variant Classification Sherloc (09022015). Collection method: clinical testing. Allele origin: germline.
Comment: In summary, the available evidence is currently insufficient to determine the role of this variant in disease. Therefore, it has been classified as a Variant of Uncertain Significance. Algorithms developed to predict the effect of missense changes on protein structure and function are either unavailable or do not agree on the potential impact of this missense change (SIFT: "Deleterious"; PolyPhen-2: "Probably Damaging"; Align-GVGD: "Class C0"). This variant has not been reported in the literature in individuals affected with CHEK2-related conditions. This variant is present in population databases (rs150677496, gnomAD 0.0009%). This sequence change replaces leucine, which is neutral and non-polar, with glutamine, which is neutral and polar, at codon 130 of the CHEK2 protein (p.Leu130Gln).

NM_007194.4(CHEK2):c.389T>A (p.Leu130Gln)

Gene: CHEK2 (checkpoint kinase 2; minus strand). Cytogenetic location: 22q12.1.
Variant type: single nucleotide variant.
Coding change: c.389T>A on transcript NM_007194.4 (MANE Select); coding-DNA position 389, T replaced by A.
Protein change: p.Leu130Gln; replaces leucine 130 with glutamine.
Molecular consequence: missense variant.
Genome position (GRCh38, 1-based): chr22:28,725,298, A>T on the plus strand (T>A on the coding strand, the complement: CHEK2 is on the minus strand). VCF-style: chr22-28725298-A-T. GRCh37 (hg19) VCF-style: chr22-29121286-A-T.
Other names: c.518T>A, p.Leu173Gln (NM_001005735.3); c.-389T>A (NM_001257387.3); c.389T>A, p.Leu130Gln (NM_001349956.3, NM_145862.3); short protein forms L173Q, L130Q.
Identifiers: ClinVar variation 2028634 (VCV002028634.4), dbSNP rs150677496, ClinGen allele CA10168009.